The following is an entry in ClinVar:

ClinVar aggregate classification (germline): Likely benign (0 of 4 stars; one submission).

Conditions:
NLGN4X-related disorder. Also called: NLGN4X-related condition.

Allele frequency attached by ClinVar (database versions not stated): gnomAD exomes 0.00001; gnomAD 0.00003; TOPMed 0.00004.
gnomAD v4.1: 9 of 1,209,194 alleles (0.00074%); highest among the groups gnomAD compares: Non-Finnish European, 0.001%; no homozygotes.

Submission:

PreventionGenetics, part of Exact Sciences
Classification: Likely benign for NLGN4X-related condition. Last evaluated: 2022-04-13. Review status: no assertion criteria provided. Collection method: clinical testing. Allele origin: germline.
Comment: This variant is classified as likely benign based on ACMG/AMP sequence variant interpretation guidelines (Richards et al. 2015 PMID: 25741868, with internal and published modifications).

NM_181332.3(NLGN4X):c.2254C>T (p.Leu752=)

Gene: NLGN4X (neuroligin 4 X-linked; minus strand). Cytogenetic location: Xp22.32.
Variant type: single nucleotide variant.
Coding change: c.2254C>T on transcript NM_181332.3 (MANE Select); coding-DNA position 2254, C replaced by T.
Protein change: p.Leu752=; no amino-acid change (leucine 752 retained).
Molecular consequence: synonymous variant.
Genome position (GRCh38, 1-based): chrX:5,893,014, G>A on the plus strand (C>T on the coding strand, the complement: NLGN4X is on the minus strand). VCF-style: chrX-5893014-G-A. GRCh37 (hg19) VCF-style: chrX-5811055-G-A.
Other names: c.2254C>T, p.Leu752= (NM_001282145.2, NM_001282146.2, NM_020742.4).
Identifiers: ClinVar variation 3050471 (VCV003050471.2), dbSNP rs956579844, ClinGen allele CA326308992.